The following is an entry in ClinVar:

ClinVar aggregate classification (germline): Likely benign (0 of 4 stars; one submission).

Conditions:
USP44-related disorder. Also called: USP44-related condition.

Allele frequency attached by ClinVar (database versions not stated): TOPMed 0.00002; ExAC 0.00003; gnomAD exomes 0.00004; gnomAD 0.00005.
gnomAD v4.1: 61 of 1,613,938 alleles (0.0038%); highest among the groups gnomAD compares: Non-Finnish European, 0.0046%; no homozygotes.

Submission:

PreventionGenetics, part of Exact Sciences
Classification: Likely benign for USP44-related condition. Last evaluated: 2019-04-16. Review status: no assertion criteria provided. Collection method: clinical testing. Allele origin: germline.
Comment: This variant is classified as likely benign based on ACMG/AMP sequence variant interpretation guidelines (Richards et al. 2015 PMID: 25741868, with internal and published modifications).

NM_032147.5(USP44):c.1489T>C (p.Leu497=)

Gene: USP44 (ubiquitin specific peptidase 44; minus strand). Cytogenetic location: 12q22.
Variant type: single nucleotide variant.
Coding change: c.1489T>C on transcript NM_032147.5 (MANE Select); coding-DNA position 1489, T replaced by C.
Protein change: p.Leu497=; no amino-acid change (leucine 497 retained).
Molecular consequence: synonymous variant. On other transcripts: non-coding transcript variant (3).
Genome position (GRCh38, 1-based): chr12:95,528,942, A>G on the plus strand (T>C on the coding strand, the complement: USP44 is on the minus strand). VCF-style: chr12-95528942-A-G. GRCh37 (hg19) VCF-style: chr12-95922718-A-G.
Other names: c.1489T>C, p.Leu497= (NM_001042403.3, NM_001278393.2, NM_001347936.2 and 1 more transcripts).
Identifiers: ClinVar variation 3047912 (VCV003047912.2), dbSNP rs550452419, ClinGen allele CA6725468.
Genomic context (GRCh38, chr12:95,528,942, plus strand): 5'-CCAGACATGGCTGGGAAGCAATATCTTTTCCACTGCATTGATACCTTTCTGGAAACTCCA[A>G]TGACAAGTCCCAGAAAGGTTCTATGGTATTTGATTTGTTGTCACATGCAAGACATGTAAC-3'
Protein context (NP_115523.2, residues 487-507): NTIEPFWDLS[Leu497=]EFPERYQCSG